The following is an entry in ClinVar:

ClinVar aggregate classification (germline): Uncertain significance. Review status: criteria provided, multiple submitters, no conflicts (2 of 4 stars). 6 submissions from 6 submitters: Uncertain significance (6). Last evaluated 2026-08-26.

Conditions:
Severe combined immunodeficiency due to CARMIL2 deficiency. Also called: IMMUNODEFICIENCY 58. Identifiers: Orphanet 542301, MedGen C4748304, MONDO:0029134, OMIM 618131.

Allele frequency attached by ClinVar (database versions not stated): ExAC 0.00001; TOPMed 0.00001.
gnomAD v4.1: 43 of 1,609,702 alleles (0.0027%); highest among the groups gnomAD compares: Middle Eastern, 0.12%; 1 homozygote.

Submissions (6):

GeneDx
Classification: Uncertain significance. Last evaluated: 2026-08-26. Review status: criteria provided, single submitter. Criteria: GeneDx Variant Classification Process June 2021. Collection method: clinical testing. Allele origin: germline.
Comment: Not observed at significant frequency in large population cohorts (gnomAD); In silico analysis supports that this missense variant has a deleterious effect on protein structure/function; Has not been previously published as pathogenic or benign to our knowledge

Labcorp Genetics (formerly Invitae), Labcorp
Classification: Uncertain significance. Last evaluated: 2025-12-03. Review status: criteria provided, single submitter. Criteria: Invitae Variant Classification Sherloc (09022015). Collection method: clinical testing. Allele origin: germline.
Comment: This sequence change replaces proline, which is neutral and non-polar, with arginine, which is basic and polar, at codon 1409 of the CARMIL2 protein (p.Pro1409Arg). This variant is present in population databases (rs779617633, gnomAD 0.002%). This variant has not been reported in the literature in individuals affected with CARMIL2-related conditions. ClinVar contains an entry for this variant (Variation ID: 636843). Experimental studies and prediction algorithms are not available or were not evaluated, and the functional significance of this variant is currently unknown. In summary, the available evidence is currently insufficient to determine the role of this variant in disease. Therefore, it has been classified as a Variant of Uncertain Significance.

CeGaT Center for Human Genetics Tuebingen
Classification: Uncertain significance. Last evaluated: 2024-12-01. Review status: criteria provided, single submitter. Criteria: CeGaT Center For Human Genetics Tuebingen Variant Classification Criteria Version 2. Collection method: clinical testing. Allele origin: germline. Affected: yes. Observed: 1 variant allele.
Comment: CARMIL2: PM2, BP4

Fulgent Genetics
Classification: Uncertain significance for Severe combined immunodeficiency due to CARMIL2 deficiency. Last evaluated: 2024-04-16. Review status: criteria provided, single submitter. Criteria: ACMG Guidelines, 2015. Collection method: clinical testing. Allele origin: germline.

Blueprint Genetics
Classification: Uncertain significance. Last evaluated: 2023-06-15. Review status: criteria provided, single submitter. Criteria: ACMG Guidelines, 2015. Collection method: clinical testing. Allele origin: germline.

Breakthrough Genomics
Classification: Uncertain significance. Review status: criteria provided, single submitter. Criteria: ACMG Guidelines, 2015. Collection method: not provided. Allele origin: germline. Inheritance: Autosomal recessive inheritance. Affected: yes.

NM_001013838.3(CARMIL2):c.4226C>G (p.Pro1409Arg)

Genes: ACD (ACD shelterin complex subunit and telomerase recruitment factor; minus strand), CARMIL2 (capping protein regulator and myosin 1 linker 2; plus strand). Cytogenetic location: 16q22.1.
Variant type: single nucleotide variant.
Coding change: c.4226C>G on transcript NM_001013838.3 (MANE Select); coding-DNA position 4226, C replaced by G.
Protein change: p.Pro1409Arg; replaces proline 1409 with arginine.
Molecular consequence: missense variant.
Genome position (GRCh38, 1-based): chr16:67,657,436, C>G. VCF-style: chr16-67657436-C-G. GRCh37 (hg19) VCF-style: chr16-67691339-C-G.
Other names: c.4037C>G, p.Pro1346Arg (NM_001317026.3); short protein forms P1409R, P1346R.
Identifiers: ClinVar variation 636843 (VCV000636843.25), dbSNP rs779617633, ClinGen allele CA8114304.